The following is an entry in ClinVar:

ClinVar aggregate classification (germline): Uncertain significance (1 of 4 stars; one submission).

Conditions:
Gorlin syndrome. Also called: Nevoid Basal Cell Carcinoma Syndrome; Basal cell nevus syndrome. Identifiers: Orphanet 377, MedGen C0004779, MONDO:0007187.

Submission:

Labcorp Genetics (formerly Invitae), Labcorp
Classification: Uncertain significance for Gorlin syndrome. Last evaluated: 2022-09-03. Review status: criteria provided, single submitter. Criteria: Invitae Variant Classification Sherloc (09022015). Collection method: clinical testing. Allele origin: germline.
Comment: In summary, the available evidence is currently insufficient to determine the role of this variant in disease. Therefore, it has been classified as a Variant of Uncertain Significance. Algorithms developed to predict the effect of missense changes on protein structure and function (SIFT, PolyPhen-2, Align-GVGD) all suggest that this variant is likely to be tolerated. This variant has not been reported in the literature in individuals affected with PTCH2-related conditions. This variant is not present in population databases (gnomAD no frequency). This sequence change replaces lysine, which is basic and polar, with glutamic acid, which is acidic and polar, at codon 162 of the PTCH2 protein (p.Lys162Glu).

NM_003738.5(PTCH2):c.484A>G (p.Lys162Glu)

Gene: PTCH2 (patched 2; minus strand). Cytogenetic location: 1p34.1.
Variant type: single nucleotide variant.
Coding change: c.484A>G on transcript NM_003738.5 (MANE Select); coding-DNA position 484, A replaced by G.
Protein change: p.Lys162Glu; replaces lysine 162 with glutamic acid.
Molecular consequence: missense variant.
Genome position (GRCh38, 1-based): chr1:44,832,016, T>C on the plus strand (A>G on the coding strand, the complement: PTCH2 is on the minus strand). VCF-style: chr1-44832016-T-C. GRCh37 (hg19) VCF-style: chr1-45297688-T-C.
Other names: c.484A>G, p.Lys162Glu (NM_001166292.2); short protein forms K162E.
Identifiers: ClinVar variation 1718804 (VCV001718804.6), dbSNP rs2522008937, ClinGen allele CA340108363.